The following is an entry in ClinVar:

NM_020442.6(VARS2):c.142C>G (p.Gln48Glu)

Gene: VARS2 (valyl-tRNA synthetase 2, mitochondrial; plus strand). Cytogenetic location: 6p21.33.
Variant type: single nucleotide variant.
Coding change: c.142C>G on transcript NM_020442.6 (MANE Select); coding-DNA position 142, C replaced by G.
Protein change: p.Gln48Glu; replaces glutamine 48 with glutamic acid.
Molecular consequence: missense variant. On other transcripts: intron variant (1).
Genome position (GRCh38, 1-based): chr6:30,914,978, C>G. VCF-style: chr6-30914978-C-G. GRCh37 (hg19) VCF-style: chr6-30882755-C-G.
Other names: c.232C>G, p.Gln78Glu (NM_001167734.2); c.-219-178C>G (NM_001167733.3); short protein forms Q48E, Q78E.
Identifiers: ClinVar variation 1032681 (VCV001032681.3), dbSNP rs750590170, ClinGen allele CA3705504.

ClinVar aggregate classification (germline): Uncertain significance. Review status: criteria provided, multiple submitters, no conflicts (2 of 4 stars). 2 submissions from 2 submitters: Uncertain significance (2). Last evaluated 2023-06-07.

Conditions:
Inborn genetic diseases. Identifiers: MedGen C0950123, MeSH D030342.
Combined oxidative phosphorylation defect type 20. Also called: Combined oxidative phosphorylation deficiency 20. Identifiers: Orphanet 420728, MedGen C4014660, MONDO:0014397, OMIM 615917.

Allele frequency attached by ClinVar (database versions not stated): gnomAD exomes 0.00001 and 0.00002; ExAC 0.00002; gnomAD 0.00003 and 0.00004; TOPMed 0.00004.

Submissions (2):

Ambry Genetics
Classification: Uncertain significance for Inborn genetic diseases. Last evaluated: 2023-06-07. Review status: criteria provided, single submitter. Criteria: Ambry Variant Classification Scheme 2023. Collection method: clinical testing. Allele origin: germline.

Baylor Genetics
Classification: Uncertain significance for Combined oxidative phosphorylation defect type 20. Last evaluated: 2018-08-27. Review status: criteria provided, single submitter. Criteria: ACMG Guidelines, 2015. Collection method: clinical testing. Allele origin: maternal. Affected: yes.
Comment: This variant was determined to be of uncertain significance according to ACMG Guidelines, 2015 [PMID:25741868].